The following is an entry in ClinVar:

NM_000493.4(COL10A1):c.1930C>T (p.Leu644Phe)

Genes: COL10A1 (collagen type X alpha 1 chain; minus strand), NT5DC1 (5'-nucleotidase domain containing 1; plus strand). Cytogenetic location: 6q22.1.
Variant type: single nucleotide variant.
Coding change: c.1930C>T on transcript NM_000493.4 (MANE Select); coding-DNA position 1930, C replaced by T.
Protein change: p.Leu644Phe; replaces leucine 644 with phenylalanine.
Molecular consequence: missense variant. On other transcripts: intron variant (1).
Genome position (GRCh38, 1-based): chr6:116,120,186, G>A on the plus strand (C>T on the coding strand, the complement: COL10A1 is on the minus strand). VCF-style: chr6-116120186-G-A. GRCh37 (hg19) VCF-style: chr6-116441349-G-A.
Other names: c.1930C>T, p.Leu644Phe (NM_001424106.1, NM_001424107.1); c.529+2241G>A (NM_152729.3); short protein forms L644F.
Identifiers: ClinVar variation 3668853 (VCV003668853.3).

ClinVar aggregate classification (germline): Conflicting classifications of pathogenicity. Review status: criteria provided, conflicting classifications (1 of 4 stars). 2 submissions from 2 submitters: Likely pathogenic (1); Uncertain significance (1). Last evaluated 2024-09-27.

Conditions:
COL10A1-related disorders.

Submissions (2):

Labcorp Genetics (formerly Invitae), Labcorp
Classification: Uncertain significance. Last evaluated: 2024-09-27. Review status: criteria provided, single submitter. Criteria: Invitae Variant Classification Sherloc (09022015). Collection method: clinical testing. Allele origin: germline.
Comment: This sequence change replaces leucine, which is neutral and non-polar, with phenylalanine, which is neutral and non-polar, at codon 644 of the COL10A1 protein (p.Leu644Phe). This variant is not present in population databases (gnomAD no frequency). This variant has not been reported in the literature in individuals affected with COL10A1-related conditions. Invitae Evidence Modeling of protein sequence and biophysical properties (such as structural, functional, and spatial information, amino acid conservation, physicochemical variation, residue mobility, and thermodynamic stability) indicates that this missense variant is expected to disrupt COL10A1 protein function with a positive predictive value of 80%. In summary, the available evidence is currently insufficient to determine the role of this variant in disease. Therefore, it has been classified as a Variant of Uncertain Significance.

Blueprint Genetics
Classification: Likely pathogenic for COL10A1-related disorders. Last evaluated: 2019-08-01. Review status: criteria provided, single submitter. Criteria: ACMG Guidelines, 2015. Collection method: clinical testing. Allele origin: germline. Affected: yes. Observed: 2 variant alleles.